The following is an entry in ClinVar:

ClinVar aggregate classification (germline): Uncertain significance. Review status: criteria provided, multiple submitters, no conflicts (2 of 4 stars). 2 submissions from 2 submitters: Uncertain significance (2). Last evaluated 2025-04-02.

Conditions:
Inborn genetic diseases. Identifiers: MedGen C0950123, MeSH D030342.

gnomAD v4.1: 3 of 1,614,064 alleles (0.00019%); highest among the groups gnomAD compares: Non-Finnish European, 0.00025%; no homozygotes.

Submissions (2):

Ambry Genetics
Classification: Uncertain significance for Inborn genetic diseases. Last evaluated: 2025-04-02. Review status: criteria provided, single submitter. Criteria: Ambry Variant Classification Scheme 2023. Collection method: clinical testing. Allele origin: germline.

Labcorp Genetics (formerly Invitae), Labcorp
Classification: Uncertain significance. Last evaluated: 2022-06-28. Review status: criteria provided, single submitter. Criteria: Invitae Variant Classification Sherloc (09022015). Collection method: clinical testing. Allele origin: germline.
Comment: This variant has not been reported in the literature in individuals affected with KRT6B-related conditions. This sequence change replaces threonine, which is neutral and polar, with isoleucine, which is neutral and non-polar, at codon 554 of the KRT6B protein (p.Thr554Ile). This variant is not present in population databases (gnomAD no frequency). Advanced modeling of protein sequence and biophysical properties (such as structural, functional, and spatial information, amino acid conservation, physicochemical variation, residue mobility, and thermodynamic stability) performed at Invitae indicates that this missense variant is not expected to disrupt KRT6B protein function. In summary, the available evidence is currently insufficient to determine the role of this variant in disease. Therefore, it has been classified as a Variant of Uncertain Significance.

NM_005555.4(KRT6B):c.1661C>T (p.Thr554Ile)

Gene: KRT6B (keratin 6B; minus strand). Cytogenetic location: 12q13.13.
Variant type: single nucleotide variant.
Coding change: c.1661C>T on transcript NM_005555.4 (MANE Select); coding-DNA position 1661, C replaced by T.
Protein change: p.Thr554Ile; replaces threonine 554 with isoleucine.
Molecular consequence: missense variant.
Genome position (GRCh38, 1-based): chr12:52,447,224, G>A on the plus strand (C>T on the coding strand, the complement: KRT6B is on the minus strand). VCF-style: chr12-52447224-G-A. GRCh37 (hg19) VCF-style: chr12-52841008-G-A.
Other names: c.1661C>T (NM_005555.3); short protein forms T554I.
Identifiers: ClinVar variation 1955314 (VCV001955314.6), dbSNP rs539318306, ClinGen allele CA384979850.